The following is an entry in ClinVar:

ClinVar aggregate classification (germline): Conflicting classifications of pathogenicity. Review status: criteria provided, conflicting classifications (1 of 4 stars). 5 submissions from 5 submitters: Likely pathogenic (1); Uncertain significance (4). Last evaluated 2025-08-14.

Conditions:
Hereditary breast ovarian cancer syndrome. Also called: Hereditary breast and ovarian cancer syndrome; Hereditary breast and ovarian cancer; Hereditary breast and ovarian cancer syndrome (HBOC); Breast and ovarian cancer; Hereditary breast and/or ovarian cancer syndrome; BRCA1- and BRCA2-Associated Hereditary Breast and Ovarian Cancer. Identifiers: Orphanet 145, MedGen C0677776, MeSH D061325, MONDO:0003582. Disease mechanism: loss of function.
Hereditary cancer-predisposing syndrome. Also called: Neoplastic Syndromes, Hereditary; Tumor predisposition; Hereditary neoplastic syndrome; Hereditary Cancer Syndrome. Identifiers: Orphanet 140162, MedGen C0027672, MeSH D009386, MONDO:0015356.
CHEK2-related cancer predisposition (TPDS4). Also called: TUMOR PREDISPOSITION SYNDROME 4; CANCER PREDISPOSITION SYNDROME, CHEK2-RELATED; CHEK2-related cancer susceptibility. Identifiers: Orphanet 524, MedGen C5882668, MONDO:0700271, OMIM 609265.
Familial cancer of breast. Also called: BREAST CANCER, FAMILIAL; Hereditary breast cancer; hereditary breast carcinoma. Identifiers: Orphanet 227535, MedGen C0346153, MONDO:0016419, OMIM 114480. Disease mechanism: loss of function.

Submissions (5):

Labcorp Genetics (formerly Invitae), Labcorp
Classification: Uncertain significance for Familial cancer of breast. Last evaluated: 2025-08-14. Review status: criteria provided, single submitter. Criteria: Invitae Variant Classification Sherloc (09022015). Collection method: clinical testing. Allele origin: germline.
Comment: This sequence change replaces serine, which is neutral and polar, with asparagine, which is neutral and polar, at codon 228 of the CHEK2 protein (p.Ser228Asn). This variant also falls at the last nucleotide of exon 5, which is part of the consensus splice site for this exon. This variant is not present in population databases (gnomAD no frequency). This missense change has been observed in individual(s) with breast cancer (PMID: 30287823). ClinVar contains an entry for this variant (Variation ID: 826658). An algorithm developed to predict the effect of missense changes on protein structure and function (PolyPhen-2) suggests that this variant is likely to be tolerated. Variants that disrupt the consensus splice site are a relatively common cause of aberrant splicing (PMID: 17576681, 9536098). Studies have shown that this missense change is associated with inconclusive levels of altered splicing (internal data). In summary, the available evidence is currently insufficient to determine the role of this variant in disease. Therefore, it has been classified as a Variant of Uncertain Significance.

GeneDx
Classification: Likely pathogenic. Last evaluated: 2025-07-28. Review status: criteria provided, single submitter. Criteria: GeneDx Variant Classification Process June 2021. Collection method: clinical testing. Allele origin: germline. Affected: yes.
Comment: Alters the last nucleotide of the exon, and both splice predictors and evolutionary conservation support a deleterious effect, in a gene for which loss of function is a known mechanism of disease; Not observed at significant frequency in large population cohorts (gnomAD); Observed in individuals with breast cancer as well as in controls (PMID: 30287823); This variant is associated with the following publications: (PMID: 32566746, 30287823, 36243179, 33421217)

Ambry Genetics
Classification: Uncertain significance for Hereditary cancer-predisposing syndrome. Last evaluated: 2024-11-27. Review status: criteria provided, single submitter. Criteria: Ambry Variant Classification Scheme 2023. Collection method: clinical testing. Allele origin: germline.
Comment: The p.S228N variant (also known as c.683G>A), located in coding exon 4 of the CHEK2 gene, results from a G to A substitution at nucleotide position 683. The serine at codon 228 is replaced by asparagine, an amino acid with highly similar properties. However, this change occurs in the last base pair of coding exon 4, which makes it likely to have some effect on normal mRNA splicing. This nucleotide position is well conserved in available vertebrate species. This amino acid position is highly conserved in available vertebrate species. In silico splice site analysis predicts that this alteration will weaken the native splice donor site; however, direct evidence is insufficient at this time (Ambry internal data). In addition, as a missense substitution this is predicted to be tolerated by in silico analysis. Based on the available evidence, the clinical significance of this variant remains unclear.

KCCC/NGS Laboratory, Kuwait Cancer Control Center
Classification: Uncertain significance for CHEK2-related cancer predisposition. Last evaluated: 2024-05-02. Review status: criteria provided, single submitter. Criteria: ACMG Guidelines, 2015. Collection method: clinical testing. Allele origin: germline. Inheritance: Autosomal dominant inheritance. Affected: yes. Observed: 1 heterozygote.
Comment: This sequence change replaces serine, which is neutral and polar, with asparagine, which is neutral and polar, at codon 228 of the CHEK2 protein (p.Ser228Asn). This variant also falls at the last nucleotide of exon 5, which is part of the consensus splice site for this exon.This variant is not present in population databases (gnomAD no frequency).This nucleotide position is mild conserved (PhyloP=2.96) This missense change has been observed in individual(s) with breast cancer (PMID: 30287823, 32566746). ClinVar contains an entry for this variant (Variation ID: 826658). In addition, this alteration is predicted to be tolerated by in silico analysis. Using the BDGP and ESEfinder splice site prediction tools, this alteration is predicted to weaken the efficiency of the native splice donor site. The consensus splice site are a relatively common cause of aberrant splicing (PMID: 17576681, 9536098). In summary, the available evidence is currently insufficient to determine the role of this variant in disease. Therefore, it has been classified as a Variant of Uncertain Significance

Cancer Genomics Group, Japanese Foundation For Cancer Research
Classification: Uncertain significance for Hereditary breast and ovarian cancer syndrome. Last evaluated: 2019-05-01. Review status: criteria provided, single submitter. Criteria: ACMG Guidelines, 2015. Collection method: research. Allele origin: germline. Affected: yes.

Literature cited by the submitters: PubMed 30287823 (cited by Labcorp Genetics (formerly Invitae), Labcorp); PubMed 17576681 (cited by Labcorp Genetics (formerly Invitae), Labcorp); PubMed 9536098 (cited by Labcorp Genetics (formerly Invitae), Labcorp).

NM_007194.4(CHEK2):c.683G>A (p.Ser228Asn)

Gene: CHEK2 (checkpoint kinase 2; minus strand). Cytogenetic location: 22q12.1.
Variant type: single nucleotide variant.
Coding change: c.683G>A on transcript NM_007194.4 (MANE Select); coding-DNA position 683, G replaced by A.
Protein change: p.Ser228Asn; replaces serine 228 with asparagine.
Molecular consequence: missense variant. On other transcripts: intron variant (1).
Genome position (GRCh38, 1-based): chr22:28,719,395, C>T on the plus strand (G>A on the coding strand, the complement: CHEK2 is on the minus strand). VCF-style: chr22-28719395-C-T. GRCh37 (hg19) VCF-style: chr22-29115383-C-T.
Other names: c.812G>A, p.Ser271Asn (NM_001005735.3, NM_001438294.1); c.20G>A, p.Ser7Asn (NM_001257387.3, NM_001437942.1); c.776G>A, p.Ser259Asn (NM_001438293.1, NM_001438295.1); c.683G>A, p.Ser228Asn (NM_145862.3); c.482+5491G>A (NM_001349956.3); short protein forms S7N, S228N, S271N, S259N.
Identifiers: ClinVar variation 826658 (VCV000826658.19), dbSNP rs1601805361, ClinGen allele CA411104827.